The following is an entry in ClinVar:

NM_001136193.2(FASTKD2):c.1403A>G (p.His468Arg)

Gene: FASTKD2 (FAST kinase domains 2; plus strand). Cytogenetic location: 2q33.3.
Variant type: single nucleotide variant.
Coding change: c.1403A>G on transcript NM_001136193.2 (MANE Select); coding-DNA position 1403, A replaced by G.
Protein change: p.His468Arg; replaces histidine 468 with arginine.
Molecular consequence: missense variant.
Genome position (GRCh38, 1-based): chr2:206,774,373, A>G. VCF-style: chr2-206774373-A-G. GRCh37 (hg19) VCF-style: chr2-207639097-A-G.
Other names: c.1403A>G, p.His468Arg (NM_001136194.2, NM_014929.4); short protein forms H468R.
Identifiers: ClinVar variation 1357249 (VCV001357249.7), dbSNP rs772042470, ClinGen allele CA2075141.

ClinVar aggregate classification (germline): Uncertain significance. Review status: criteria provided, multiple submitters, no conflicts (2 of 4 stars). 2 submissions from 2 submitters: Uncertain significance (2). Last evaluated 2021-10-20.

Conditions:
Combined oxidative phosphorylation deficiency 44. Also called: FASTKD2-Related Combined Oxidative Phosphorylation Deficiency. Identifiers: MedGen C5394293, MONDO:0030020, OMIM 618855.

Allele frequency attached by ClinVar (database versions not stated): gnomAD 0.00004 and 0.00006.
gnomAD v4.1: 13 of 1,600,098 alleles (0.00081%); highest among the groups gnomAD compares: African/African-American, 0.015%; no homozygotes.

Submissions (2):

Fulgent Genetics
Classification: Uncertain significance for Combined oxidative phosphorylation deficiency 44. Last evaluated: 2021-10-20. Review status: criteria provided, single submitter. Criteria: ACMG Guidelines, 2015. Collection method: clinical testing. Allele origin: unknown.

Labcorp Genetics (formerly Invitae), Labcorp
Classification: Uncertain significance. Last evaluated: 2021-05-29. Review status: criteria provided, single submitter. Criteria: Invitae Variant Classification Sherloc (09022015). Collection method: clinical testing. Allele origin: germline.
Comment: This sequence change replaces histidine with arginine at codon 468 of the FASTKD2 protein (p.His468Arg). The histidine residue is moderately conserved and there is a small physicochemical difference between histidine and arginine. In summary, the available evidence is currently insufficient to determine the role of this variant in disease. Therefore, it has been classified as a Variant of Uncertain Significance. Algorithms developed to predict the effect of missense changes on protein structure and function are either unavailable or do not agree on the potential impact of this missense change (SIFT: "Deleterious"; PolyPhen-2: "Probably Damaging"; Align-GVGD: "Class C0"). This variant has not been reported in the literature in individuals with FASTKD2-related conditions. This variant is present in population databases (rs772042470, ExAC 0.02%).